The following is an entry in ClinVar:

NM_006506.5(RASA2):c.919G>C (p.Gly307Arg)

Gene: RASA2 (RAS p21 protein activator 2; plus strand). Cytogenetic location: 3q23.
Variant type: single nucleotide variant.
Coding change: c.919G>C on transcript NM_006506.5 (MANE Select); coding-DNA position 919, G replaced by C.
Protein change: p.Gly307Arg; replaces glycine 307 with arginine.
Molecular consequence: missense variant.
Genome position (GRCh38, 1-based): chr3:141,570,967, G>C. VCF-style: chr3-141570967-G-C. GRCh37 (hg19) VCF-style: chr3-141289809-G-C.
Other names: c.919G>C, p.Gly307Arg (NM_001303245.3, NM_001303246.3); short protein forms G307R.
Identifiers: ClinVar variation 3786973 (VCV003786973.1).

ClinVar aggregate classification (germline): Uncertain significance (1 of 4 stars; one submission).

gnomAD v4.1: 1 of 1,612,134 alleles (0.000062%); highest among the groups gnomAD compares: Non-Finnish European, 0.000085%; no homozygotes.

Submission:

Ambry Genetics
Classification: Uncertain significance. Last evaluated: 2025-01-27. Review status: criteria provided, single submitter. Criteria: Ambry Variant Classification Scheme 2023. Collection method: clinical testing. Allele origin: germline.
Comment: The p.G307R variant (also known as c.919G>C), located in coding exon 10 of the RASA2 gene, results from a G to C substitution at nucleotide position 919. The glycine at codon 307 is replaced by arginine, an amino acid with dissimilar properties. This amino acid position is conserved. In addition, this alteration is predicted to be deleterious by in silico analysis. Based on the available evidence, the clinical significance of this variant remains unclear.